The following is an entry in ClinVar:

NM_001211.6(BUB1B):c.698A>C (p.Lys233Thr)

Gene: BUB1B (BUB1 mitotic checkpoint serine/threonine kinase B; plus strand). Cytogenetic location: 15q15.1.
Variant type: single nucleotide variant.
Coding change: c.698A>C on transcript NM_001211.6 (MANE Select); coding-DNA position 698, A replaced by C.
Protein change: p.Lys233Thr; replaces lysine 233 with threonine.
Molecular consequence: missense variant.
Genome position (GRCh38, 1-based): chr15:40,183,830, A>C. VCF-style: chr15-40183830-A-C. GRCh37 (hg19) VCF-style: chr15-40476031-A-C.
Other names: short protein forms K233T.
Identifiers: ClinVar variation 1756449 (VCV001756449.2), dbSNP rs960109358, ClinGen allele CA391683418.
Genomic context (GRCh38, chr15:40,183,830, plus strand): 5'-AGGAGGAAGTTTTTGAGTCTTCTGTACCACAACGAAGCACACTAGCTGAACTAAAGAGCA[A>C]AGGGAAAAAGACAGCAAGAGCTCCAATCATCCGTGTAGGAGGTGCTCTCAAGGGTAAGTT-3'
Protein context (NP_001202.5, residues 223-243): QRSTLAELKS[Lys233Thr]GKKTARAPII

ClinVar aggregate classification (germline): Uncertain significance (1 of 4 stars; one submission).

Conditions:
Inborn genetic diseases. Identifiers: MedGen C0950123, MeSH D030342.

gnomAD v4.1: 6 of 1,614,120 alleles (0.00037%); highest among the groups gnomAD compares: Non-Finnish European, 0.00042%; no homozygotes.

Submission:

Ambry Genetics
Classification: Uncertain significance for Inborn genetic diseases. Last evaluated: 2022-05-14. Review status: criteria provided, single submitter. Criteria: Ambry Variant Classification Scheme 2023. Collection method: clinical testing. Allele origin: germline.
Comment: The p.K233T variant (also known as c.698A>C), located in coding exon 6 of the BUB1B gene, results from an A to C substitution at nucleotide position 698. The lysine at codon 233 is replaced by threonine, an amino acid with similar properties. This amino acid position is conserved. In addition, this alteration is predicted to be tolerated by in silico analysis. Since supporting evidence is limited at this time, the clinical significance of this alteration remains unclear.